The following is an entry in ClinVar:

ClinVar aggregate classification (germline): Uncertain significance (1 of 4 stars; one submission).

Conditions:
Primary ciliary dyskinesia. Also called: Ciliary dyskinesia. Identifiers: Orphanet 244, MedGen C0008780, MONDO:0016575, HP:0012265.

Submission:

Labcorp Genetics (formerly Invitae), Labcorp
Classification: Uncertain significance for Primary ciliary dyskinesia. Last evaluated: 2020-01-15. Review status: criteria provided, single submitter. Criteria: Invitae Variant Classification Sherloc (09022015). Collection method: clinical testing. Allele origin: germline.
Comment: In summary, the available evidence is currently insufficient to determine the role of this variant in disease. Therefore, it has been classified as a Variant of Uncertain Significance. Algorithms developed to predict the effect of missense changes on protein structure and function output the following: SIFT: "Tolerated"; PolyPhen-2: "Benign"; Align-GVGD: "Class C0". The glutamine amino acid residue is found in multiple mammalian species, suggesting that this missense change does not adversely affect protein function. These predictions have not been confirmed by published functional studies and their clinical significance is uncertain. This variant has not been reported in the literature in individuals with CCDC40-related conditions. This variant is not present in population databases (ExAC no frequency). This sequence change replaces glutamic acid with glutamine at codon 856 of the CCDC40 protein (p.Glu856Gln). The glutamic acid residue is moderately conserved and there is a small physicochemical difference between glutamic acid and glutamine.

NM_017950.4(CCDC40):c.2566G>C (p.Glu856Gln)

Gene: CCDC40 (coiled-coil domain 40 molecular ruler complex subunit; plus strand). Cytogenetic location: 17q25.3.
Variant type: single nucleotide variant.
Coding change: c.2566G>C on transcript NM_017950.4 (MANE Select); coding-DNA position 2566, G replaced by C.
Protein change: p.Glu856Gln; replaces glutamic acid 856 with glutamine.
Molecular consequence: missense variant.
Genome position (GRCh38, 1-based): chr17:80,087,723, G>C. VCF-style: chr17-80087723-G-C. GRCh37 (hg19) VCF-style: chr17-78061522-G-C.
Other names: c.2566G>C, p.Glu856Gln (NM_001243342.2); short protein forms E856Q.
Identifiers: ClinVar variation 1058139 (VCV001058139.9), dbSNP rs1000468581, ClinGen allele CA294868138.